The following is an entry in ClinVar:

ClinVar aggregate classification (germline): Uncertain significance (1 of 4 stars; one submission).

Conditions:
Episodic ataxia type 1 (EA1). Also called: Episodic ataxia/myokymia syndrome; MYOKYMIA WITH PERIODIC ATAXIA; PAROXYSMAL ATAXIA WITH NEUROMYOTONIA, HEREDITARY; ATAXIA, EPISODIC, WITH MYOKYMIA. Identifiers: Orphanet 37612, Orphanet 972, MedGen C1719788, MONDO:0008047, OMIM 160120.

Submission:

Labcorp Genetics (formerly Invitae), Labcorp
Classification: Uncertain significance for Episodic ataxia type 1. Last evaluated: 2022-06-04. Review status: criteria provided, single submitter. Criteria: Invitae Variant Classification Sherloc (09022015). Collection method: clinical testing. Allele origin: germline.
Comment: In summary, the available evidence is currently insufficient to determine the role of this variant in disease. Therefore, it has been classified as a Variant of Uncertain Significance. Algorithms developed to predict the effect of missense changes on protein structure and function are either unavailable or do not agree on the potential impact of this missense change (SIFT: "Deleterious"; PolyPhen-2: "Probably Damaging"; Align-GVGD: "Class C15"). This variant has not been reported in the literature in individuals affected with KCNA1-related conditions. This variant is not present in population databases (gnomAD no frequency). This sequence change replaces aspartic acid, which is acidic and polar, with asparagine, which is neutral and polar, at codon 74 of the KCNA1 protein (p.Asp74Asn).

NM_000217.3(KCNA1):c.220G>A (p.Asp74Asn)

Gene: KCNA1 (potassium voltage-gated channel subfamily A member 1; plus strand). Cytogenetic location: 12p13.32.
Variant type: single nucleotide variant.
Coding change: c.220G>A on transcript NM_000217.3 (MANE Select); coding-DNA position 220, G replaced by A.
Protein change: p.Asp74Asn; replaces aspartic acid 74 with asparagine.
Molecular consequence: missense variant.
Genome position (GRCh38, 1-based): chr12:4,911,598, G>A. VCF-style: chr12-4911598-G-A. GRCh37 (hg19) VCF-style: chr12-5020764-G-A.
Other names: short protein forms D74N.
Identifiers: ClinVar variation 2055878 (VCV002055878.4), dbSNP rs1947351968, ClinGen allele CA383454064.